The following is an entry in ClinVar:

ClinVar aggregate classification (germline): Uncertain significance (1 of 4 stars; one submission).

Allele frequency attached by ClinVar (database versions not stated): gnomAD exomes below 0.00001.
gnomAD v4.1: 1 of 1,613,256 alleles (0.000062%); highest among the groups gnomAD compares: Non-Finnish European, 0.000085%; no homozygotes.

Submission:

CeGaT Center for Human Genetics Tuebingen
Classification: Uncertain significance. Last evaluated: 2024-02-01. Review status: criteria provided, single submitter. Criteria: CeGaT Center For Human Genetics Tuebingen Variant Classification Criteria Version 2. Collection method: clinical testing. Allele origin: germline. Affected: yes. Observed: 1 variant allele.
Comment: LTBP4: PM2:Supporting, BP4

NM_001042545.2(LTBP4):c.3501G>A (p.Leu1167=)

Gene: LTBP4 (latent transforming growth factor beta binding protein 4; plus strand). Cytogenetic location: 19q13.2.
Variant type: single nucleotide variant.
Coding change: c.3501G>A on transcript NM_001042545.2 (MANE Select); coding-DNA position 3501, G replaced by A.
Protein change: p.Leu1167=; no amino-acid change (leucine 1167 retained).
Molecular consequence: synonymous variant.
Genome position (GRCh38, 1-based): chr19:40,622,966, G>A. VCF-style: chr19-40622966-G-A. GRCh37 (hg19) VCF-style: chr19-41128871-G-A.
Other names: c.3702G>A, p.Leu1234= (NM_001042544.1); c.3591G>A, p.Leu1197= (NM_003573.2).
Identifiers: ClinVar variation 3026340 (VCV003026340.22), dbSNP rs2515384186, ClinGen allele CA507496093.